The following is an entry in ClinVar:

NM_000719.7(CACNA1C):c.148C>A (p.Leu50Met)

Gene: CACNA1C (calcium voltage-gated channel subunit alpha1 C; plus strand). Cytogenetic location: 12p13.33.
Variant type: single nucleotide variant.
Coding change: c.148C>A on transcript NM_000719.7 (MANE Select); coding-DNA position 148, C replaced by A.
Protein change: p.Leu50Met; replaces leucine 50 with methionine.
Molecular consequence: missense variant.
Genome position (GRCh38, 1-based): chr12:2,115,322, C>A. VCF-style: chr12-2115322-C-A. GRCh37 (hg19) VCF-style: chr12-2224488-C-A.
Other names: c.148C>A, p.Leu50Met (NM_001129827.2, NM_001129829.2, NM_001129830.3 and 19 more transcripts); short protein forms L50M.
Identifiers: ClinVar variation 2707188 (VCV002707188.4), dbSNP rs1385266006, ClinGen allele CA383653027.

ClinVar aggregate classification (germline): Uncertain significance. Review status: criteria provided, multiple submitters, no conflicts (2 of 4 stars). 2 submissions from 2 submitters: Uncertain significance (2). Last evaluated 2026-02-03.

Conditions:
Long QT syndrome (LQTS). Identifiers: MedGen C0023976, MeSH D008133, MONDO:0002442. Disease mechanism: loss of function. Inheritance: Various modes of inheritance.

Submissions (2):

GeneDx
Classification: Uncertain significance. Last evaluated: 2026-02-03. Review status: criteria provided, single submitter. Criteria: GeneDx Variant Classification Process June 2021. Collection method: clinical testing. Allele origin: germline.
Comment: Not observed at significant frequency in large population cohorts (gnomAD); In silico analysis suggests that this missense variant does not alter protein structure/function; Has not been previously published as pathogenic or benign to our knowledge

Labcorp Genetics (formerly Invitae), Labcorp
Classification: Uncertain significance for Long QT syndrome. Last evaluated: 2024-01-03. Review status: criteria provided, single submitter. Criteria: Invitae Variant Classification Sherloc (09022015). Collection method: clinical testing. Allele origin: germline.
Comment: This sequence change replaces leucine, which is neutral and non-polar, with methionine, which is neutral and non-polar, at codon 50 of the CACNA1C protein (p.Leu50Met). This variant is not present in population databases (gnomAD no frequency). This variant has not been reported in the literature in individuals affected with CACNA1C-related conditions. Advanced modeling of protein sequence and biophysical properties (such as structural, functional, and spatial information, amino acid conservation, physicochemical variation, residue mobility, and thermodynamic stability) performed at Invitae indicates that this missense variant is not expected to disrupt CACNA1C protein function with a negative predictive value of 95%. In summary, the available evidence is currently insufficient to determine the role of this variant in disease. Therefore, it has been classified as a Variant of Uncertain Significance.